The following is an entry in ClinVar:

ClinVar aggregate classification (germline): Pathogenic/Likely pathogenic. Review status: criteria provided, multiple submitters, no conflicts (2 of 4 stars). 16 submissions from 16 submitters: Pathogenic (12); Likely pathogenic (1). 3 of the submissions do not count toward it. Last evaluated 2026-08-05.

Conditions:
Fetal anomalies with a likely genetic cause.
GPSM2-related disorder. Also called: GPSM2-related condition; GPSM2-related disorders.
Rare genetic deafness. Identifiers: Orphanet 96210, MedGen C5680250.
Chudley-McCullough syndrome (CMCS). Also called: Deafness, autosomal recessive 82; DEAFNESS, SENSORINEURAL, WITH PARTIAL AGENESIS OF THE CORPUS CALLOSUM AND ARACHNOID CYSTS. Identifiers: Orphanet 314597, MedGen C1858695, MONDO:0011411, OMIM 604213.

Submissions (16):

PreventionGenetics, part of Exact Sciences
Classification: Pathogenic for GPSM2-related condition. Last evaluated: 2026-08-05. Review status: criteria provided, single submitter. Criteria: ACMG Guidelines, 2015. Collection method: clinical testing. Allele origin: germline.
Comment: The GPSM2 c.742delC variant is predicted to result in a frameshift and premature protein termination (p.Gly249Glufs*32). This variant was reported in the homozygous and compound heterozygous states in multiple individuals with Chudley-McCullough syndrome (Doherty et al. 2012. PubMed ID: 22578326; Blauen et al. 2020. PubMed ID: 33016209). This variant is reported in 0.020% of alleles in individuals of European (Non-Finnish) descent in gnomAD. Frameshift variants in GPSM2 are expected to be pathogenic. This variant is interpreted as pathogenic.

Genetics Laboratory, Great Ormond Street Hospital NHS Foundation Trust, North Thames Genomic Laboratory Hub
Classification: Pathogenic for Fetal anomalies with a likely genetic cause. Last evaluated: 2026-02-18. Review status: criteria provided, single submitter. Criteria: ACGS Best Practice Guidelines for Variant Classification in Rare Disease 2024 v1.2. Collection method: clinical testing. Allele origin: germline. Affected: yes.
Comment: PM2_moderate, PVS1_very-strong, PM3_moderate

Variantyx, Inc.
Classification: Pathogenic for Chudley-McCullough syndrome. Last evaluated: 2025-06-29. Review status: criteria provided, single submitter. Criteria: Variantyx Assertion Criteria 2022. Collection method: clinical testing. Allele origin: germline. Inheritance: Autosomal recessive inheritance. Affected: no.
Comment: This is a frameshift variant in the GPSM2 gene (OMIM: 609245). Pathogenic variants in this gene have been associated with autosomal recessive Chudley-McCullough syndrome. This variant introduces a premature termination codon in exon 7 out of 15 and is expected to result in loss of function, which is a known disease mechanism for GPSM2 in this disorder (PVS1). This variant has been identified in the homozygous state in at least 3 individuals reported in the published literature (PMID: 33016209, 22578326)(PM3). It has a 0.0254% maximum allele frequency in non-founder control populations (PM2). Based on the current evidence, this variant is classified as pathogenic for autosomal recessive Chudley-McCullough syndrome.

Labcorp Genetics (formerly Invitae), Labcorp
Classification: Pathogenic. Last evaluated: 2025-03-31. Review status: criteria provided, single submitter. Criteria: Invitae Variant Classification Sherloc (09022015). Collection method: clinical testing. Allele origin: germline.
Comment: This sequence change creates a premature translational stop signal (p.Gly249Glufs*32) in the GPSM2 gene. It is expected to result in an absent or disrupted protein product. Loss-of-function variants in GPSM2 are known to be pathogenic (PMID: 22578326, 22987632). This variant is present in population databases (rs528069912, gnomAD 0.02%). This premature translational stop signal has been observed in individual(s) with Chudley-McCullough syndrome (PMID: 22578326). This variant is also known as c.741delC (p.N247NfsX34). ClinVar contains an entry for this variant (Variation ID: 35492). For these reasons, this variant has been classified as Pathogenic.

GeneDx
Classification: Pathogenic. Last evaluated: 2024-09-29. Review status: criteria provided, single submitter. Criteria: GeneDx Variant Classification Process June 2021. Collection method: clinical testing. Allele origin: germline. Affected: yes.
Comment: Frameshift variant predicted to result in protein truncation or nonsense mediated decay in a gene for which loss of function is a known mechanism of disease; This variant is associated with the following publications: (PMID: 27180139, 30487145, 33016209, 38394064, 22987632, 22578326, 23494849)

HudsonAlpha Institute for Biotechnology
Classification: Pathogenic for Chudley-McCullough syndrome. Last evaluated: 2023-04-25. Review status: criteria provided, single submitter. Criteria: ACMG Guidelines, 2015. Collection method: research. Allele origin: maternal. Affected: yes. Observed: 1 variant allele. Study: HudsonAlpha-AGHI-WGS.

Department of Pathology and Laboratory Medicine, Sinai Health System
Classification: Pathogenic for Chudley-McCullough syndrome. Last evaluated: 2022-11-09. Review status: criteria provided, single submitter. Criteria: ACMG Guidelines, 2015. Collection method: research. Allele origin: germline.

Fulgent Genetics
Classification: Pathogenic for Chudley-McCullough syndrome. Last evaluated: 2022-04-08. Review status: criteria provided, single submitter. Criteria: ACMG Guidelines, 2015. Collection method: clinical testing. Allele origin: unknown.

Victorian Clinical Genetics Services, Murdoch Childrens Research Institute
Classification: Pathogenic for Chudley-McCullough syndrome. Last evaluated: 2021-05-06. Review status: criteria provided, single submitter. Criteria: ACMG Guidelines, 2015. Collection method: clinical testing. Allele origin: germline. Inheritance: Autosomal recessive inheritance.
Comment: Based on the classification scheme VCGS_Germline_v1.3.4, this variant is classified as Pathogenic. Following criteria are met: 0102 - Loss of function is a known mechanism of disease in this gene and is associated with Chudley-McCullough syndrome (MIM#604213). (I) 0106 - This gene is associated with autosomal recessive disease. (I) 0201 - Variant is predicted to cause nonsense-mediated decay (NMD) and loss of protein (premature termination codon is located at least 54 nucleotides upstream of the final exon-exon junction). (SP) 0251 - This variant is heterozygous. (I) 0304 - Variant is present in gnomAD (v2) <0.01 for a recessive condition (28 heterozygotes, 0 homozygotes). (SP) 0701 - Other NMD-predicted variants comparable to the one identified in this case have very strong previous evidence for pathogenicity. Many other loss of function variants have previously been reported as pathogenic in individuals with Chudley-McCullough syndrome (MIM#604213) (ClinVar). (SP) 0801 - This variant has strong previous evidence of pathogenicity in unrelated individuals. The variant has previously been reported as pathogenic in multiple individuals with Chudley-McCullough syndrome (MIM#604213) (ClinVar, LOVD, PMID: 22987632). (SP) 1208 - Inheritance information for this variant is not currently available in this individual. (I) Legend: (SP) - Supporting pathogenic, (I) - Information, (SB) - Supporting benign

Illumina Laboratory Services, Illumina
Classification: Likely pathogenic for GPSM2-Related Disorders. Last evaluated: 2018-09-24. Review status: criteria provided, single submitter. Criteria: ICSL Variant Classification Criteria 09 May 2019. Collection method: clinical testing. Allele origin: germline.
Comment: The GPSM2 c.742delC (p.Gly249GlufsTer32) variant results in a frameshift and is predicted to result in premature termination of the protein. The p.Gly249GlufsTer32 variant has been reported in two studies in which it is found in a total of seven individuals with Chudley-McCullough syndrome (CMS) from four families, including in three individuals carrying the variant in a homozygous state (two siblings and one unrelated individual) and four carrying the variant in a compound heterozygous state (two pairs of siblings) (Doherty et al. 2012; Diaz-Horta et al. 2012). The p.Gly249GlufsTer32 variant was also found in a heterozygous state in two unaffected family members (Diaz-Horta et al. 2012). Control data are unavailable for this variant, which is reported at a frequency of 0.000363 in the European American population of the Exome Sequencing Project. Based on the evidence and potential impact of frameshift variants, the p.Gly249GlufsTer32 variant is classified as likely pathogenic for GPSM2-related disorders. This variant was observed by ICSL as part of a predisposition screen in an ostensibly healthy population.

Eurofins Ntd Llc (ga)
Classification: Pathogenic. Last evaluated: 2018-06-22. Review status: criteria provided, single submitter. Criteria: EGL ClinVar v180209 classification definitions. Collection method: clinical testing. Allele origin: germline. Observed: 1 variant allele, 1 heterozygote.

Laboratory for Molecular Medicine, Mass General Brigham Personalized Medicine
Classification: Pathogenic for Rare genetic deafness. Last evaluated: 2016-06-09. Review status: criteria provided, single submitter. Criteria: LMM Criteria. Collection method: clinical testing. Allele origin: germline. Inheritance: Autosomal recessive inheritance. Observed: 1 variant allele.
Comment: The p.Gly249fs variant in GPSM2 has been reported in 3 individuals with Chudley- McCullough syndrome (Doherty 2012). Two of these individuals and one of their si blings were homozygous and 1 individual and a sibling were compound heterozygous . This variant is predicted to cause a frameshift, which alters the protein?s am ino acid sequence beginning at position 249 and leads to a premature termination codon 32 amino acids downstream. This alteration is then predicted to lead to a truncated or absent protein. Loss-of-function variants in the GPSM2 gene are as sociated with Chudley-McCullough syndrome, an autosomal recessive condition with congenital hearing loss and brain abnormalities with typically normal cognition . In summary, this variant meets our criteria to be classified as pathogenic for autosomal recessive Chudley-McCullough syndrome.

Center for Pediatric Genomic Medicine, Children's Mercy Hospital and Clinics
Classification: Pathogenic. Last evaluated: 2016-05-06. Review status: criteria provided, single submitter. Criteria: ACMG Guidelines, 2015. Collection method: clinical testing. Allele origin: germline.

OMIM
Classification: Pathogenic for CHUDLEY-MCCULLOUGH SYNDROME. Last evaluated: 2012-06-08. Review status: no assertion criteria provided. Collection method: literature only. Allele origin: germline. Not counted in ClinVar's aggregate classification.

Clinical Genetics DNA and cytogenetics Diagnostics Lab, Erasmus MC, Erasmus Medical Center
Classification: Pathogenic. Review status: no assertion criteria provided. Collection method: clinical testing. Allele origin: germline. Affected: yes. Study: VKGL Data-share Consensus. Not counted in ClinVar's aggregate classification.

Genome Diagnostics Laboratory, Amsterdam University Medical Center
Classification: Pathogenic. Review status: no assertion criteria provided. Collection method: clinical testing. Allele origin: germline. Affected: yes. Study: VKGL Data-share Consensus. Not counted in ClinVar's aggregate classification.

Literature cited by the submitters: PubMed 33016209 (cited by Variantyx, Inc.); PubMed 22578326 (cited by 5 submitters); PubMed 22987632 (cited by 3 submitters).

NM_013296.5(GPSM2):c.742del (p.Gly249fs)

Gene: GPSM2 (G protein signaling modulator 2; plus strand). Cytogenetic location: 1p13.3.
Variant type: Deletion.
Coding change: c.742del on transcript NM_013296.5 (MANE Select); coding-DNA position 742, one base deleted (C; older notation c.742delC).
Protein change: p.Gly249fs; shifts the reading frame from glycine 249.
Molecular consequence: frameshift variant.
Genome position (GRCh38, 1-based): chr1:108,898,939, C deleted; the last of 2 consecutive C bases (chr1:108,898,938-108,898,939); deleting either gives the same sequence. VCF-style (leftmost placement, unchanged base first): chr1-108898937-AC-A. GRCh37 (hg19) VCF-style: chr1-109441559-AC-A.
Other names: c.742del, p.Gly249fs (NM_001321038.2, NM_001321039.3); c.742del (NM_013296.4); short protein forms G249fs.
Identifiers: ClinVar variation 35492 (VCV000035492.30), dbSNP rs528069912, ClinGen allele CA213046.
Genomic context (GRCh38, chr1:108,898,937, plus strand): 5'-AGCGTCTCCTTATTGCAAAAGAATTTGGAGATAAAGCAGCTGAAAGAAGAGCATATAGCA[AC>A]CTTGGAAATGCATATATATTTCTTGGTGAATTTGAAACTGCCTCGGAATACTACAAGTTA-3'